The following is an entry in ClinVar:

NM_032383.5(HPS3):c.1958A>G (p.Asn653Ser)

Gene: HPS3 (HPS3 biogenesis of lysosomal organelles complex 2 subunit 1; plus strand). Cytogenetic location: 3q24.
Variant type: single nucleotide variant.
Coding change: c.1958A>G on transcript NM_032383.5 (MANE Select); coding-DNA position 1958, A replaced by G.
Protein change: p.Asn653Ser; replaces asparagine 653 with serine.
Molecular consequence: missense variant.
Genome position (GRCh38, 1-based): chr3:149,160,131, A>G. VCF-style: chr3-149160131-A-G. GRCh37 (hg19) VCF-style: chr3-148877918-A-G.
Other names: c.1463A>G, p.Asn488Ser (NM_001308258.2); short protein forms N488S, N653S.
Identifiers: ClinVar variation 1516256 (VCV001516256.7), dbSNP rs756510967, ClinGen allele CA2660213.

ClinVar aggregate classification (germline): Uncertain significance (1 of 4 stars; one submission).

Allele frequency attached by ClinVar (database versions not stated): gnomAD exomes below 0.00001 and 0.00001; ExAC 0.00001; gnomAD 0.00001; TOPMed 0.00003.
gnomAD v4.1: 22 of 1,613,846 alleles (0.0014%); highest among the groups gnomAD compares: Non-Finnish European, 0.0019%; no homozygotes.

Submission:

Labcorp Genetics (formerly Invitae), Labcorp
Classification: Uncertain significance. Last evaluated: 2024-10-16. Review status: criteria provided, single submitter. Criteria: Invitae Variant Classification Sherloc (09022015). Collection method: clinical testing. Allele origin: germline.
Comment: This sequence change replaces asparagine, which is neutral and polar, with serine, which is neutral and polar, at codon 653 of the HPS3 protein (p.Asn653Ser). This variant is present in population databases (rs756510967, gnomAD 0.002%). This variant has not been reported in the literature in individuals affected with HPS3-related conditions. ClinVar contains an entry for this variant (Variation ID: 1516256). Invitae Evidence Modeling of protein sequence and biophysical properties (such as structural, functional, and spatial information, amino acid conservation, physicochemical variation, residue mobility, and thermodynamic stability) indicates that this missense variant is expected to disrupt HPS3 protein function with a positive predictive value of 80%. In summary, the available evidence is currently insufficient to determine the role of this variant in disease. Therefore, it has been classified as a Variant of Uncertain Significance.